The following is an entry in ClinVar:

ClinVar aggregate classification (germline): Uncertain significance (1 of 4 stars; one submission).

Submission:

Labcorp Genetics (formerly Invitae), Labcorp
Classification: Uncertain significance. Last evaluated: 2024-08-10. Review status: criteria provided, single submitter. Criteria: Invitae Variant Classification Sherloc (09022015). Collection method: clinical testing. Allele origin: germline.
Comment: This variant, c.437_445del, results in the deletion of 3 amino acid(s) of the IRF2BP2 protein (p.Pro146_Pro148del), but otherwise preserves the integrity of the reading frame. This variant is not present in population databases (gnomAD no frequency). This variant has not been reported in the literature in individuals affected with IRF2BP2-related conditions. Experimental studies and prediction algorithms are not available or were not evaluated, and the functional significance of this variant is currently unknown. In summary, the available evidence is currently insufficient to determine the role of this variant in disease. Therefore, it has been classified as a Variant of Uncertain Significance.

NM_182972.3(IRF2BP2):c.437_445del (p.Pro146_Pro148del)

Genes: IRF2BP2 (interferon regulatory factor 2 binding protein 2; minus strand), LOC129932812 (ATAC-STARR-seq lymphoblastoid silent region 1977; plus strand). Cytogenetic location: 1q42.3.
Variant type: Deletion.
Coding change: c.437_445del on transcript NM_182972.3 (MANE Select); coding-DNA positions 437 to 445, 9 bases deleted (CGACGCCGC; older notation c.437_445delCGACGCCGC).
Protein change: p.Pro146_Pro148del.
Genome position (GRCh38, 1-based): chr1:234,609,050-234,609,058, GCGGCGTCG deleted on the plus strand (CGACGCCGC on the coding strand, the reverse complement: IRF2BP2 is on the minus strand); deleting any 9 consecutive bases within chr1:234,609,050-234,609,063 gives the same sequence; the c. name uses the placement nearest the transcript's 3' end. VCF-style (leftmost placement, unchanged base first): chr1-234609049-TGCGGCGTCG-T. GRCh37 (hg19) VCF-style: chr1-234744795-TGCGGCGTCG-T.
Other names: c.437_445del, p.Pro146_Pro148del (NM_001077397.1).
Identifiers: ClinVar variation 3680723 (VCV003680723.2).